The following is an entry in ClinVar:

ClinVar aggregate classification (germline): Benign/Likely benign. Review status: criteria provided, multiple submitters, no conflicts (2 of 4 stars). 5 submissions from 5 submitters: Benign (2); Likely benign (3). Last evaluated 2026-02-03.

Conditions:
Catecholaminergic polymorphic ventricular tachycardia 2. Also called: CASQ2-Related Catecholaminergic Polymorphic Ventricular Tachycardia; VENTRICULAR TACHYCARDIA, STRESS-INDUCED POLYMORPHIC 2. Identifiers: Orphanet 3286, MedGen C2677794, MONDO:0012762, OMIM 611938.
Catecholaminergic polymorphic ventricular tachycardia 1. Also called: RYR2-Related Catecholaminergic Polymorphic Ventricular Tachycardia; VENTRICULAR TACHYCARDIA, STRESS-INDUCED POLYMORPHIC 1; VENTRICULAR TACHYCARDIA, CATECHOLAMINERGIC POLYMORPHIC, 1, WITH OR WITHOUT ATRIAL DYSFUNCTION AND/OR DILATED CARDIOMYOPATHY. Identifiers: Orphanet 3286, MedGen C1631597, MONDO:0011484, OMIM 604772.

Allele frequency attached by ClinVar (database versions not stated): gnomAD exomes 0.00018; ExAC 0.00022; gnomAD 0.00032; 1000 Genomes Project 0.00040; 1000 Genomes Project 30x 0.00062; TOPMed 0.00067; ESP Exome Variant Server 0.00069.
gnomAD v4.1: 170 of 1,529,284 alleles (0.011%); highest among the groups gnomAD compares: African/African-American, 0.2%; 1 homozygote.

Submissions (5):

Labcorp Genetics (formerly Invitae), Labcorp
Classification: Likely benign for Catecholaminergic polymorphic ventricular tachycardia 1. Last evaluated: 2026-02-03. Review status: criteria provided, single submitter. Criteria: Invitae Variant Classification Sherloc (09022015). Collection method: clinical testing. Allele origin: germline.

ARUP Laboratories, Molecular Genetics and Genomics, ARUP Laboratories
Classification: Likely benign for Catecholaminergic polymorphic ventricular tachycardia 2. Last evaluated: 2024-12-12. Review status: criteria provided, single submitter. Criteria: ARUP Molecular Germline Variant Investigation Process 2024. Collection method: clinical testing. Allele origin: germline.

Genome-Nilou Lab
Classification: Benign for Catecholaminergic polymorphic ventricular tachycardia 2. Last evaluated: 2023-04-11. Review status: criteria provided, single submitter. Criteria: ACMG Guidelines, 2015. Collection method: clinical testing. Allele origin: germline. Affected: no.

Fulgent Genetics
Classification: Likely benign for Catecholaminergic polymorphic ventricular tachycardia 1; Catecholaminergic polymorphic ventricular tachycardia 2. Last evaluated: 2021-09-29. Review status: criteria provided, single submitter. Criteria: ACMG Guidelines, 2015. Collection method: clinical testing. Allele origin: unknown.

GeneDx
Classification: Benign. Last evaluated: 2015-09-29. Review status: criteria provided, single submitter. Criteria: GeneDx Variant Classification (06012015). Collection method: clinical testing. Allele origin: germline. Affected: yes.
Comment: This variant is considered likely benign or benign based on one or more of the following criteria: it is a conservative change, it occurs at a poorly conserved position in the protein, it is predicted to be benign by multiple in silico algorithms, and/or has population frequency not consistent with disease.

NM_001232.4(CASQ2):c.320-18C>T

Gene: CASQ2 (calsequestrin 2; minus strand). Cytogenetic location: 1p13.1.
Variant type: single nucleotide variant.
Coding change: c.320-18C>T on transcript NM_001232.4 (MANE Select); 18 bases into the intron before coding-DNA position 320, C replaced by T.
Molecular consequence: intron variant.
Genome position (GRCh38, 1-based): chr1:115,740,846, G>A on the plus strand (C>T on the coding strand, the complement: CASQ2 is on the minus strand). VCF-style: chr1-115740846-G-A. GRCh37 (hg19) VCF-style: chr1-116283467-G-A.
Identifiers: ClinVar variation 377624 (VCV000377624.12), dbSNP rs376871374, ClinGen allele CA1023938.
Genomic context (GRCh38, chr1:115,740,846, plus strand): 5'-CGATCACCCTTAAGAATATACAGGCTTCCTTCTTCATCAAAACCTGTAAGAAACAAAGAG[G>A]CCCACAGAGAAGGTCATCCTGACGTAGGAAGAGTGATTGTATTGGCTGAGGTCTGGCTGA-3'